The following is an entry in ClinVar:

ClinVar aggregate classification (germline): Uncertain significance (1 of 4 stars; one submission).

Allele frequency attached by ClinVar (database versions not stated): TOPMed 0.00001; ESP Exome Variant Server 0.00008.
gnomAD v4.1: 5 of 1,612,172 alleles (0.00031%); highest among the groups gnomAD compares: African/African-American, 0.0053%; no homozygotes.

Submission:

Ambry Genetics
Classification: Uncertain significance. Last evaluated: 2023-02-05. Review status: criteria provided, single submitter. Criteria: Ambry Variant Classification Scheme 2023. Collection method: clinical testing. Allele origin: germline.
Comment: The p.T237A variant (also known as c.709A>G), located in coding exon 7 of the STAP1 gene, results from an A to G substitution at nucleotide position 709. The threonine at codon 237 is replaced by alanine, an amino acid with similar properties. This amino acid position is conserved. In addition, the in silico prediction for this alteration is inconclusive. Since supporting evidence is limited at this time, the clinical significance of this alteration remains unclear.

NM_012108.4(STAP1):c.709A>G (p.Thr237Ala)

Gene: STAP1 (signal transducing adaptor family member 1; plus strand). Cytogenetic location: 4q13.2.
Variant type: single nucleotide variant.
Coding change: c.709A>G on transcript NM_012108.4 (MANE Select); coding-DNA position 709, A replaced by G.
Protein change: p.Thr237Ala; replaces threonine 237 with alanine.
Molecular consequence: missense variant.
Genome position (GRCh38, 1-based): chr4:67,590,933, A>G. VCF-style: chr4-67590933-A-G. GRCh37 (hg19) VCF-style: chr4-68456651-A-G.
Other names: c.709A>G, p.Thr237Ala (NM_001317769.2); short protein forms T237A.
Identifiers: ClinVar variation 2497039 (VCV002497039.2), dbSNP rs141115095, ClinGen allele CA2937663.